The following is an entry in ClinVar:

NM_182961.4(SYNE1):c.16237-98C>A

Gene: SYNE1 (spectrin repeat containing nuclear envelope protein 1; minus strand). Cytogenetic location: 6q25.2.
Variant type: single nucleotide variant.
Coding change: c.16237-98C>A on transcript NM_182961.4 (MANE Select); 98 bases into the intron before coding-DNA position 16237, C replaced by A.
Molecular consequence: intron variant.
Genome position (GRCh38, 1-based): chr6:152,319,113, G>T on the plus strand (C>A on the coding strand, the complement: SYNE1 is on the minus strand). VCF-style: chr6-152319113-G-T. GRCh37 (hg19) VCF-style: chr6-152640248-G-T.
Other names: c.16024-98C>A (NM_033071.5).
Identifiers: ClinVar variation 670182 (VCV000670182.1), dbSNP rs2306915, ClinGen allele CA12338481.

ClinVar aggregate classification (germline): Benign (1 of 4 stars; one submission).

Allele frequency attached by ClinVar (database versions not stated): gnomAD 0.14008 and 0.14866; TOPMed 0.14801; 1000 Genomes Project 30x 0.23001; 1000 Genomes Project 0.24081.
gnomAD v4.1: 239,159 of 1,524,224 alleles (16%); highest among the groups gnomAD compares: East Asian, 49%; 22,266 homozygotes.

Submission:

GeneDx
Classification: Benign. Last evaluated: 2018-06-14. Review status: criteria provided, single submitter. Criteria: GeneDx Variant Classification (06012015). Collection method: clinical testing. Allele origin: germline. Affected: yes.
Comment: This variant is considered likely benign or benign based on one or more of the following criteria: it is a conservative change, it occurs at a poorly conserved position in the protein, it is predicted to be benign by multiple in silico algorithms, and/or has population frequency not consistent with disease.